The following is an entry in ClinVar:

NM_000245.4(MET):c.1547A>G (p.Asn516Ser)

Gene: MET (MET proto-oncogene, receptor tyrosine kinase; plus strand). Cytogenetic location: 7q31.2.
Variant type: single nucleotide variant.
Coding change: c.1547A>G on transcript NM_000245.4 (MANE Select); coding-DNA position 1547, A replaced by G.
Protein change: p.Asn516Ser; replaces asparagine 516 with serine.
Molecular consequence: missense variant.
Genome position (GRCh38, 1-based): chr7:116,740,871, A>G. VCF-style: chr7-116740871-A-G. GRCh37 (hg19) VCF-style: chr7-116380925-A-G.
Other names: c.1547A>G (NM_001127500.2); c.1547A>G, p.Asn516Ser (NM_001127500.3, NM_001324401.3); c.257A>G, p.Asn86Ser (NM_001324402.2); short protein forms N516S, N86S.
Identifiers: ClinVar variation 1774956 (VCV001774956.10), dbSNP rs1793418893, ClinGen allele CA368975038.

ClinVar aggregate classification (germline): Uncertain significance. Review status: criteria provided, multiple submitters, no conflicts (2 of 4 stars). 4 submissions from 4 submitters: Uncertain significance (4). Last evaluated 2026-02-25.

Conditions:
Hereditary cancer-predisposing syndrome. Also called: Tumor predisposition; Hereditary neoplastic syndrome; Hereditary Cancer Syndrome; Neoplastic Syndromes, Hereditary. Identifiers: Orphanet 140162, MedGen C0027672, MeSH D009386, MONDO:0015356.
MET-related disorder. Also called: MET-related condition.
Renal cell carcinoma. Identifiers: Orphanet 217071, MedGen C0007134, MeSH D002292, MONDO:0005086, HP:0005584.

Allele frequency attached by ClinVar (database versions not stated): TOPMed below 0.00001.

Submissions (4):

PreventionGenetics, part of Exact Sciences
Classification: Uncertain significance for MET-related condition. Last evaluated: 2026-02-25. Review status: criteria provided, single submitter. Criteria: ACMG Guidelines, 2015. Collection method: clinical testing. Allele origin: germline.
Comment: The MET c.1547A>G variant is predicted to result in the amino acid substitution p.Asn516Ser. To our knowledge, this variant has not been reported in the literature or in a large population database (gnomAD), indicating this variant is rare. It is classified as uncertain in ClinVar (Variation ID: 1774956). At this time, the clinical significance of this variant is uncertain due to the absence of conclusive functional and genetic evidence.

Labcorp Genetics (formerly Invitae), Labcorp
Classification: Uncertain significance for Renal cell carcinoma. Last evaluated: 2025-07-07. Review status: criteria provided, single submitter. Criteria: Invitae Variant Classification Sherloc (09022015). Collection method: clinical testing. Allele origin: germline.
Comment: This sequence change replaces asparagine, which is neutral and polar, with serine, which is neutral and polar, at codon 516 of the MET protein (p.Asn516Ser). This variant is not present in population databases (gnomAD no frequency). This variant has not been reported in the literature in individuals affected with MET-related conditions. ClinVar contains an entry for this variant (Variation ID: 1774956). Invitae Evidence Modeling of protein sequence and biophysical properties (such as structural, functional, and spatial information, amino acid conservation, physicochemical variation, residue mobility, and thermodynamic stability) indicates that this missense variant is not expected to disrupt MET protein function with a negative predictive value of 80%. In summary, the available evidence is currently insufficient to determine the role of this variant in disease. Therefore, it has been classified as a Variant of Uncertain Significance.

Ambry Genetics
Classification: Uncertain significance for Hereditary cancer-predisposing syndrome. Last evaluated: 2025-06-08. Review status: criteria provided, single submitter. Criteria: Ambry Variant Classification Scheme 2023. Collection method: clinical testing. Allele origin: germline.
Comment: The p.N516S variant (also known as c.1547A>G), located in coding exon 4 of the MET gene, results from an A to G substitution at nucleotide position 1547. The asparagine at codon 516 is replaced by serine, an amino acid with highly similar properties. This amino acid position is conserved. In addition, this alteration is predicted to be tolerated by in silico analysis. Since supporting evidence is limited at this time, the clinical significance of this alteration remains unclear.

GeneDx
Classification: Uncertain significance. Last evaluated: 2022-10-13. Review status: criteria provided, single submitter. Criteria: GeneDx Variant Classification Process June 2021. Collection method: clinical testing. Allele origin: germline. Affected: yes.
Comment: Not observed at significant frequency in large population cohorts (gnomAD); In silico analysis supports that this missense variant does not alter protein structure/function; Has not been previously published as pathogenic or benign to our knowledge